The following is an entry in ClinVar:

ClinVar aggregate classification (germline): Pathogenic (1 of 4 stars; one submission).

Submission:

Labcorp Genetics (formerly Invitae), Labcorp
Classification: Pathogenic. Last evaluated: 2022-08-23. Review status: criteria provided, single submitter. Criteria: Invitae Variant Classification Sherloc (09022015). Collection method: clinical testing. Allele origin: germline.
Comment: For these reasons, this variant has been classified as Pathogenic. A similar copy number variant has been observed in individual(s) with hypophosphatemic rickets (Invitae). This variant is a gross deletion of the genomic region encompassing exon(s) 20 of the PHEX gene. This variant would be expected to be in-frame, preserving the integrity of the reading frame.

NC_000023.10:g.(?_22245604)_(22245748_?)del

Gene: PHEX (phosphate regulating endopeptidase X-linked; plus strand). Cytogenetic location: Xp22.11.
Variant type: Deletion.
Identifiers: ClinVar variation 1510235 (VCV001510235.7).